The following is an entry in ClinVar:

ClinVar aggregate classification (germline): Uncertain significance (1 of 4 stars; one submission).

Conditions:
Charcot-Marie-Tooth disease axonal type 2C (HMSN2C). Also called: Charcot-Marie-Tooth Disease Type 2, TRPV4-Related (CMT2C); CHARCOT-MARIE-TOOTH DISEASE, AXONAL, AUTOSOMAL DOMINANT, TYPE 2C; Charcot-Marie-Tooth Neuropathy Type 2C. Identifiers: Orphanet 99937, MedGen C1853710, MONDO:0011633, OMIM 606071.

gnomAD v4.1: 1 of 1,613,842 alleles (0.000062%); highest among the groups gnomAD compares: Non-Finnish European, 0.000085%; no homozygotes.

Submission:

Labcorp Genetics (formerly Invitae), Labcorp
Classification: Uncertain significance for Charcot-Marie-Tooth disease axonal type 2C. Last evaluated: 2025-08-18. Review status: criteria provided, single submitter. Criteria: Invitae Variant Classification Sherloc (09022015). Collection method: clinical testing. Allele origin: germline.
Comment: This sequence change replaces arginine, which is basic and polar, with leucine, which is neutral and non-polar, at codon 56 of the TRPV4 protein (p.Arg56Leu). This variant is not present in population databases (gnomAD no frequency). This variant has not been reported in the literature in individuals affected with TRPV4-related conditions. ClinVar contains an entry for this variant (Variation ID: 960237). Invitae Evidence Modeling of protein sequence and biophysical properties (such as structural, functional, and spatial information, amino acid conservation, physicochemical variation, residue mobility, and thermodynamic stability) indicates that this missense variant is not expected to disrupt TRPV4 protein function with a negative predictive value of 95%. Algorithms developed to predict the effect of sequence changes on RNA splicing suggest that this variant may create or strengthen a splice site. In summary, the available evidence is currently insufficient to determine the role of this variant in disease. Therefore, it has been classified as a Variant of Uncertain Significance.

NM_021625.5(TRPV4):c.167G>T (p.Arg56Leu)

Gene: TRPV4 (transient receptor potential cation channel subfamily V member 4; minus strand). Cytogenetic location: 12q24.11.
Variant type: single nucleotide variant.
Coding change: c.167G>T on transcript NM_021625.5 (MANE Select); coding-DNA position 167, G replaced by T.
Protein change: p.Arg56Leu; replaces arginine 56 with leucine.
Molecular consequence: missense variant. On other transcripts: intron variant (1).
Genome position (GRCh38, 1-based): chr12:109,814,630, C>A on the plus strand (G>T on the coding strand, the complement: TRPV4 is on the minus strand). VCF-style: chr12-109814630-C-A. GRCh37 (hg19) VCF-style: chr12-110252435-C-A.
Other names: c.167G>T, p.Arg56Leu (NM_001177428.2, NM_001177433.2, NM_147204.3); c.80-15G>T (NM_001177431.1); short protein forms R56L.
Identifiers: ClinVar variation 960237 (VCV000960237.9), dbSNP rs767169716, ClinGen allele CA386660677.